The following is an entry in ClinVar:

NM_000124.4(ERCC6):c.2245G>C (p.Asp749His)

Gene: ERCC6 (ERCC excision repair 6, chromatin remodeling factor; minus strand). Cytogenetic location: 10q11.23.
Variant type: single nucleotide variant.
Coding change: c.2245G>C on transcript NM_000124.4 (MANE Select); coding-DNA position 2245, G replaced by C.
Protein change: p.Asp749His; replaces aspartic acid 749 with histidine.
Molecular consequence: missense variant.
Genome position (GRCh38, 1-based): chr10:49,478,395, C>G on the plus strand (G>C on the coding strand, the complement: ERCC6 is on the minus strand). VCF-style: chr10-49478395-C-G. GRCh37 (hg19) VCF-style: chr10-50686441-C-G.
Other names: c.2245G>C, p.Asp749His (NM_001346440.2); short protein forms D749H.
Identifiers: ClinVar variation 2187984 (VCV002187984.2), dbSNP rs967392743, ClinGen allele CA206592946.

ClinVar aggregate classification (germline): Uncertain significance. Review status: criteria provided, multiple submitters, no conflicts (2 of 4 stars). 2 submissions from 2 submitters: Uncertain significance (2). Last evaluated 2022-04-25.

Allele frequency attached by ClinVar (database versions not stated): gnomAD 0.00002; gnomAD exomes 0.00003; TOPMed 0.00003.
gnomAD v4.1: 44 of 1,613,852 alleles (0.0027%); highest among the groups gnomAD compares: Non-Finnish European, 0.0037%; no homozygotes.

Submissions (2):

Blueprint Genetics
Classification: Uncertain significance. Last evaluated: 2022-04-25. Review status: criteria provided, single submitter. Criteria: ACMG Guidelines, 2015. Collection method: clinical testing. Allele origin: germline.

Labcorp Genetics (formerly Invitae), Labcorp
Classification: Uncertain significance. Last evaluated: 2021-12-10. Review status: criteria provided, single submitter. Criteria: Invitae Variant Classification Sherloc (09022015). Collection method: clinical testing. Allele origin: germline.
Comment: This sequence change replaces aspartic acid, which is acidic and polar, with histidine, which is basic and polar, at codon 749 of the ERCC6 protein (p.Asp749His). This variant is present in population databases (no rsID available, gnomAD 0.002%). This variant has not been reported in the literature in individuals affected with ERCC6-related conditions. Algorithms developed to predict the effect of missense changes on protein structure and function (SIFT, PolyPhen-2, Align-GVGD) all suggest that this variant is likely to be disruptive. In summary, the available evidence is currently insufficient to determine the role of this variant in disease. Therefore, it has been classified as a Variant of Uncertain Significance.